The following is an entry in ClinVar:

ClinVar aggregate classification (germline): Uncertain significance. Review status: criteria provided, multiple submitters, no conflicts (2 of 4 stars). 2 submissions from 2 submitters: Uncertain significance (2). Last evaluated 2023-12-21.

Conditions:
Neurodevelopmental disorder. Identifiers: MedGen C1535926, MeSH D065886, MONDO:0700092.

Allele frequency attached by ClinVar (database versions not stated): gnomAD exomes below 0.00001.
gnomAD v4.1: 2 of 1,614,082 alleles (0.00012%); highest among the groups gnomAD compares: Non-Finnish European, 0.00017%; no homozygotes.

Submissions (2):

Victorian Clinical Genetics Services, Murdoch Childrens Research Institute
Classification: Uncertain significance for Neurodevelopmental disorder. Last evaluated: 2023-12-21. Review status: criteria provided, single submitter. Criteria: ACMG Guidelines, 2015. Collection method: clinical testing. Allele origin: germline. Inheritance: Autosomal dominant inheritance. Affected: yes.
Comment: Based on the classification scheme VCGS_Germline_v1.3.4, this variant is classified as VUS-3B. Following criteria are met: 0102 - Loss of function is a known mechanism of disease in this gene and is associated with neurodevelopmental disorder, MONDO:0700092, UBAP2L-related. (I) 0107 - This gene is associated with autosomal dominant disease (PMID: 35977029). (I) 0115 - Variants in this gene are known to have variable expressivity (PMID: 35977029). (I) 0200 - Variant is predicted to result in a missense amino acid change from proline to leucine. (I) 0251 - This variant is heterozygous. (I) 0301 - Variant is absent from gnomAD (both v2 and v3). (SP) 0502 - Missense variant with conflicting in silico predictions and uninformative conservation. (I) 0604 - Variant is not located in an established domain, motif, hotspot or informative constraint region. (I) 0705 - No comparable missense variants have previous evidence for pathogenicity. (I) 0809 - Previous evidence of pathogenicity for this variant is inconclusive. This variant has been reported once as a VUS (ClinVar). (I) 0905 - No published segregation evidence has been identified for this variant. (I) 1007 - No published functional evidence has been identified for this variant. (I) 1207 - Parental origin of the variant is unresolved. (I) Legend: (SP) - Supporting pathogenic, (I) - Information, (SB) - Supporting benign

Ambry Genetics
Classification: Uncertain significance. Last evaluated: 2021-10-29. Review status: criteria provided, single submitter. Criteria: Ambry Variant Classification Scheme 2023. Collection method: clinical testing. Allele origin: germline.

Literature cited by the submitters: PubMed 35977029 (cited by Victorian Clinical Genetics Services, Murdoch Childrens Research Institute).

NM_014847.4(UBAP2L):c.2870C>T (p.Pro957Leu)

Gene: UBAP2L (ubiquitin associated protein 2 like; plus strand). Cytogenetic location: 1q21.3.
Variant type: single nucleotide variant.
Coding change: c.2870C>T on transcript NM_014847.4 (MANE Select); coding-DNA position 2870, C replaced by T.
Protein change: p.Pro957Leu; replaces proline 957 with leucine.
Molecular consequence: missense variant.
Genome position (GRCh38, 1-based): chr1:154,261,665, C>T. VCF-style: chr1-154261665-C-T. GRCh37 (hg19) VCF-style: chr1-154234141-C-T.
Other names: c.2870C>T, p.Pro957Leu (NM_001127320.3, NM_001375614.1, NM_001375615.1 and 14 more transcripts); c.2849C>T, p.Pro950Leu (NM_001287815.1); c.2903C>T, p.Pro968Leu (NM_001287816.1, NM_001330730.1, NM_001375612.1 and 2 more transcripts); short protein forms P957L, P950L, P968L.
Identifiers: ClinVar variation 2258718 (VCV002258718.3), dbSNP rs1034044389, ClinGen allele CA30816051.